The following is an entry in ClinVar:

NM_019032.6(ADAMTSL4):c.2978G>A (p.Arg993Gln)

Gene: ADAMTSL4 (ADAMTS like 4; plus strand). Cytogenetic location: 1q21.2.
Variant type: single nucleotide variant.
Coding change: c.2978G>A on transcript NM_019032.6 (MANE Select); coding-DNA position 2978, G replaced by A.
Protein change: p.Arg993Gln; replaces arginine 993 with glutamine.
Molecular consequence: missense variant.
Genome position (GRCh38, 1-based): chr1:150,559,795, G>A. VCF-style: chr1-150559795-G-A. GRCh37 (hg19) VCF-style: chr1-150532271-G-A.
Other names: c.2978G>A (NM_019032.4); c.2861G>A, p.Arg954Gln (NM_001288607.2); c.3047G>A, p.Arg1016Gln (NM_001288608.2); c.2978G>A, p.Arg993Gln (NM_001378596.1); short protein forms R993Q, R1016Q, R954Q.
Identifiers: ClinVar variation 1370270 (VCV001370270.6), dbSNP rs752811128, ClinGen allele CA1078916.

ClinVar aggregate classification (germline): Uncertain significance. Review status: criteria provided, multiple submitters, no conflicts (2 of 4 stars). 4 submissions from 3 submitters: Uncertain significance (4). Last evaluated 2023-04-11.

Conditions:
Inborn genetic diseases. Identifiers: MedGen C0950123, MeSH D030342.
Ectopia lentis et pupillae. Also called: ECTOPIA LENTIS WITH ECTOPIA OF PUPIL. Identifiers: Orphanet 1885, MedGen C1644196, MONDO:0009153, OMIM 225200.
Ectopia lentis 2, isolated, autosomal recessive (ECTOL2). Identifiers: Orphanet 1885, MedGen C3541474, MONDO:0009152, OMIM 225100.

Allele frequency attached by ClinVar (database versions not stated): ExAC 0.00001; gnomAD exomes 0.00004; gnomAD 0.00006 and 0.00007; TOPMed 0.00008.

Submissions (4):

Genome-Nilou Lab
Classification: Uncertain significance for Ectopia lentis et pupillae. Last evaluated: 2023-04-11. Review status: criteria provided, single submitter. Criteria: ACMG Guidelines, 2015. Collection method: clinical testing. Allele origin: germline. Affected: no.

Genome-Nilou Lab
Classification: Uncertain significance for Ectopia lentis 2, isolated, autosomal recessive. Last evaluated: 2023-04-11. Review status: criteria provided, single submitter. Criteria: ACMG Guidelines, 2015. Collection method: clinical testing. Allele origin: germline. Affected: no.

Labcorp Genetics (formerly Invitae), Labcorp
Classification: Uncertain significance. Last evaluated: 2022-10-03. Review status: criteria provided, single submitter. Criteria: Invitae Variant Classification Sherloc (09022015). Collection method: clinical testing. Allele origin: germline.
Comment: This sequence change replaces arginine, which is basic and polar, with glutamine, which is neutral and polar, at codon 993 of the ADAMTSL4 protein (p.Arg993Gln). This variant is present in population databases (rs752811128, gnomAD 0.02%). This variant has not been reported in the literature in individuals affected with ADAMTSL4-related conditions. ClinVar contains an entry for this variant (Variation ID: 1370270). Algorithms developed to predict the effect of missense changes on protein structure and function (SIFT, PolyPhen-2, Align-GVGD) all suggest that this variant is likely to be disruptive. In summary, the available evidence is currently insufficient to determine the role of this variant in disease. Therefore, it has been classified as a Variant of Uncertain Significance.

Ambry Genetics
Classification: Uncertain significance for Inborn genetic diseases. Last evaluated: 2021-08-10. Review status: criteria provided, single submitter. Criteria: Ambry Variant Classification Scheme 2023. Collection method: clinical testing. Allele origin: germline.